The following is an entry in ClinVar:

NM_001440.4(EXTL3):c.1465C>T (p.Arg489Cys)

Gene: EXTL3 (exostosin like glycosyltransferase 3; plus strand). Cytogenetic location: 8p21.1.
Variant type: single nucleotide variant.
Coding change: c.1465C>T on transcript NM_001440.4 (MANE Select); coding-DNA position 1465, C replaced by T.
Protein change: p.Arg489Cys; replaces arginine 489 with cysteine.
Molecular consequence: missense variant.
Genome position (GRCh38, 1-based): chr8:28,717,524, C>T. VCF-style: chr8-28717524-C-T. GRCh37 (hg19) VCF-style: chr8-28575041-C-T.
Other names: short protein forms R489C.
Identifiers: ClinVar variation 1398684 (VCV001398684.8), dbSNP rs754724657, ClinGen allele CA4696224.

ClinVar aggregate classification (germline): Uncertain significance (1 of 4 stars; one submission).

Allele frequency attached by ClinVar (database versions not stated): ExAC 0.00001; gnomAD 0.00001; gnomAD exomes 0.00001.
gnomAD v4.1: 10 of 1,614,124 alleles (0.00062%); highest among the groups gnomAD compares: East Asian, 0.0022%; no homozygotes.

Submission:

Labcorp Genetics (formerly Invitae), Labcorp
Classification: Uncertain significance. Last evaluated: 2021-06-01. Review status: criteria provided, single submitter. Criteria: Invitae Variant Classification Sherloc (09022015). Collection method: clinical testing. Allele origin: germline.
Comment: In summary, the available evidence is currently insufficient to determine the role of this variant in disease. Therefore, it has been classified as a Variant of Uncertain Significance. Algorithms developed to predict the effect of missense changes on protein structure and function (SIFT, PolyPhen-2, Align-GVGD) all suggest that this variant is likely to be disruptive, but these predictions have not been confirmed by published functional studies and their clinical significance is uncertain. This variant has not been reported in the literature in individuals with EXTL3-related conditions. This variant is present in population databases (rs754724657, ExAC 0.02%). This sequence change replaces arginine with cysteine at codon 489 of the EXTL3 protein (p.Arg489Cys). The arginine residue is highly conserved and there is a large physicochemical difference between arginine and cysteine.